The following is an entry in ClinVar:

ClinVar aggregate classification (germline): Benign. Review status: criteria provided, multiple submitters, no conflicts (2 of 4 stars). 8 submissions from 6 submitters: Benign (8). Last evaluated 2026-02-03.

Conditions:
Schwartz-Jampel syndrome type 1 (SJS1). Also called: MYOTONIC MYOPATHY, DWARFISM, CHONDRODYSTROPHY, AND OCULAR AND FACIAL ABNORMALITIES; CHONDRODYSTROPHIC MYOTONIA. Identifiers: MedGen C4551479, MONDO:0100435, OMIM 255800.
Lethal Kniest-like syndrome (DDSH). Also called: Dyssegmental Dysplasia. Identifiers: Orphanet 1865, MedGen C1857100, MONDO:0009140, OMIM 224410.
Schwartz-Jampel syndrome. Also called: Myotonic myopathy dwarfism chondrodystrophy and ocular and facial abnormalities. Identifiers: Orphanet 800, MedGen C0036391, MONDO:0009717.

Allele frequency attached by ClinVar (database versions not stated): gnomAD exomes 0.03255 and 0.03305; ExAC 0.05921; 1000 Genomes Project 0.06210; 1000 Genomes Project 30x 0.06761; gnomAD 0.07048 and 0.07520; TOPMed 0.07525; ESP Exome Variant Server 0.07791.
gnomAD v4.1: 58,356 of 1,606,120 alleles (3.6%); highest among the groups gnomAD compares: African/African-American, 18%; 2,000 homozygotes.

Submissions (8):

Labcorp Genetics (formerly Invitae), Labcorp
Classification: Benign. Last evaluated: 2026-02-03. Review status: criteria provided, single submitter. Criteria: Invitae Variant Classification Sherloc (09022015). Collection method: clinical testing. Allele origin: germline.

Genome-Nilou Lab
Classification: Benign for Lethal Kniest-like syndrome. Last evaluated: 2023-04-11. Review status: criteria provided, single submitter. Criteria: ACMG Guidelines, 2015. Collection method: clinical testing. Allele origin: germline. Affected: no.

Genome-Nilou Lab
Classification: Benign for Schwartz-Jampel syndrome type 1. Last evaluated: 2023-04-11. Review status: criteria provided, single submitter. Criteria: ACMG Guidelines, 2015. Collection method: clinical testing. Allele origin: germline. Affected: no.

Athena Diagnostics
Classification: Benign. Last evaluated: 2019-01-28. Review status: criteria provided, single submitter. Criteria: Athena Diagnostics Criteria. Collection method: clinical testing. Allele origin: germline.

GeneDx
Classification: Benign. Last evaluated: 2018-08-25. Review status: criteria provided, single submitter. Criteria: GeneDx Variant Classification Process June 2021. Collection method: clinical testing. Allele origin: germline. Affected: yes.

Illumina Laboratory Services, Illumina
Classification: Benign for Schwartz-Jampel syndrome type 1. Last evaluated: 2018-01-13. Review status: criteria provided, single submitter. Criteria: ICSL Variant Classification Criteria 13 December 2019. Collection method: clinical testing. Allele origin: germline.
Comment: This variant was observed in the ICSL laboratory as part of a predisposition screen in an ostensibly healthy population. It had not been previously curated by ICSL or reported in the Human Gene Mutation Database (HGMD: prior to June 1st, 2018), and was therefore a candidate for classification through an automated scoring system. Utilizing variant allele frequency, disease prevalence and penetrance estimates, and inheritance mode, an automated score was calculated to assess if this variant is too frequent to cause the disease. Based on the score and internal cut-off values, a variant classified as benign is not then subjected to further curation. The score for this variant resulted in a classification of benign for this disease.

Illumina Laboratory Services, Illumina
Classification: Benign for Lethal Kniest-like syndrome. Last evaluated: 2018-01-13. Review status: criteria provided, single submitter. Criteria: ICSL Variant Classification Criteria 13 December 2019. Collection method: clinical testing. Allele origin: germline.
Comment: the same text as in the submission from Illumina Laboratory Services, Illumina above.

Breakthrough Genomics
Classification: Benign. Review status: criteria provided, single submitter. Criteria: ACMG Guidelines, 2015. Collection method: not provided. Allele origin: germline. Inheritance: Autosomal recessive inheritance. Affected: yes.

NM_005529.7(HSPG2):c.3688G>A (p.Gly1230Ser)

Gene: HSPG2 (heparan sulfate proteoglycan 2; minus strand). Cytogenetic location: 1p36.12.
Variant type: single nucleotide variant.
Coding change: c.3688G>A on transcript NM_005529.7 (MANE Select); coding-DNA position 3688, G replaced by A.
Protein change: p.Gly1230Ser; replaces glycine 1230 with serine.
Molecular consequence: missense variant.
Genome position (GRCh38, 1-based): chr1:21,873,980, C>T on the plus strand (G>A on the coding strand, the complement: HSPG2 is on the minus strand). VCF-style: chr1-21873980-C-T. GRCh37 (hg19) VCF-style: chr1-22200473-C-T.
Other names: c.3691G>A, p.Gly1231Ser (NM_001291860.2); short protein forms G1230S, G1231S.
Identifiers: ClinVar variation 295856 (VCV000295856.18), dbSNP rs28546127, ClinGen allele CA672553.